The following is an entry in ClinVar:

ClinVar aggregate classification (germline): Uncertain significance (1 of 4 stars; one submission).

Conditions:
Spastic paraplegia. Identifiers: MedGen C0037772, HP:0001258.

Submission:

Labcorp Genetics (formerly Invitae), Labcorp
Classification: Uncertain significance for Spastic paraplegia. Last evaluated: 2020-04-08. Review status: criteria provided, single submitter. Criteria: Invitae Variant Classification Sherloc (09022015). Collection method: clinical testing. Allele origin: germline.
Comment: In summary, this variant has uncertain impact on SLC16A2 function. The available evidence is currently insufficient to determine its role in disease. Therefore, it has been classified as a Variant of Uncertain Significance. Algorithms developed to predict the effect of missense changes on protein structure and function do not agree on the potential impact of this missense change (SIFT: "Tolerated"; PolyPhen-2: "Probably Damaging"; Align-GVGD: "Class C0"). This variant has not been reported in the literature in individuals with a SLC16A2-related disease. This variant is not present in population databases (ExAC no frequency). This sequence change replaces glycine with valine at codon 425 of the SLC16A2 protein (p.Gly425Val). The glycine residue is highly conserved and there is a moderate physicochemical difference between glycine and valine.

NM_006517.5(SLC16A2):c.1274G>T (p.Gly425Val)

Gene: SLC16A2 (solute carrier family 16 member 2; plus strand). Cytogenetic location: Xq13.2.
Variant type: single nucleotide variant.
Coding change: c.1274G>T on transcript NM_006517.5 (MANE Select); coding-DNA position 1274, G replaced by T.
Protein change: p.Gly425Val; replaces glycine 425 with valine.
Molecular consequence: missense variant.
Genome position (GRCh38, 1-based): chrX:74,529,316, G>T. VCF-style: chrX-74529316-G-T. GRCh37 (hg19) VCF-style: chrX-73749151-G-T.
Other names: short protein forms G425V.
Identifiers: ClinVar variation 578017 (VCV000578017.8), dbSNP rs1449997865, ClinGen allele CA413658379.